The following is an entry in ClinVar:

NM_021167.5(GATAD1):c.157G>T (p.Gly53Trp)

Genes: GATAD1 (GATA zinc finger domain containing 1; plus strand), LOC129998793 (ATAC-STARR-seq lymphoblastoid silent region 18371; plus strand). Cytogenetic location: 7q21.2.
Variant type: single nucleotide variant.
Coding change: c.157G>T on transcript NM_021167.5 (MANE Select); coding-DNA position 157, G replaced by T.
Protein change: p.Gly53Trp; replaces glycine 53 with tryptophan.
Molecular consequence: missense variant. On other transcripts: non-coding transcript variant (1).
Genome position (GRCh38, 1-based): chr7:92,447,886, G>T. VCF-style: chr7-92447886-G-T. GRCh37 (hg19) VCF-style: chr7-92077200-G-T.
Other names: short protein forms G53W.
Identifiers: ClinVar variation 574542 (VCV000574542.12), dbSNP rs988478105, ClinGen allele CA161960800.

ClinVar aggregate classification (germline): Uncertain significance. Review status: criteria provided, multiple submitters, no conflicts (2 of 4 stars). 2 submissions from 2 submitters: Uncertain significance (2). Last evaluated 2025-04-17.

Conditions:
Cardiovascular phenotype. Identifiers: MedGen CN230736.
Dilated cardiomyopathy 2B. Identifiers: Orphanet 154, MedGen C3553409, MONDO:0013848, OMIM 614672.

Allele frequency attached by ClinVar (database versions not stated): TOPMed 0.00008.
gnomAD v4.1: 16 of 1,278,914 alleles (0.0013%); highest among the groups gnomAD compares: Admixed American, 0.064%; no homozygotes.

Submissions (2):

Labcorp Genetics (formerly Invitae), Labcorp
Classification: Uncertain significance for Dilated cardiomyopathy 2B. Last evaluated: 2025-04-17. Review status: criteria provided, single submitter. Criteria: Invitae Variant Classification Sherloc (09022015). Collection method: clinical testing. Allele origin: germline.
Comment: This sequence change replaces glycine, which is neutral and non-polar, with tryptophan, which is neutral and slightly polar, at codon 53 of the GATAD1 protein (p.Gly53Trp). This variant is not present in population databases (gnomAD no frequency). This variant has not been reported in the literature in individuals affected with GATAD1-related conditions. ClinVar contains an entry for this variant (Variation ID: 574542). An algorithm developed to predict the effect of missense changes on protein structure and function (PolyPhen-2) suggests that this variant is likely to be tolerated. In summary, the available evidence is currently insufficient to determine the role of this variant in disease. Therefore, it has been classified as a Variant of Uncertain Significance.

Ambry Genetics
Classification: Uncertain significance for Cardiovascular phenotype. Last evaluated: 2024-09-04. Review status: criteria provided, single submitter. Criteria: Ambry Variant Classification Scheme 2023. Collection method: clinical testing. Allele origin: germline.
Comment: The p.G53W variant (also known as c.157G>T), located in coding exon 1 of the GATAD1 gene, results from a G to T substitution at nucleotide position 157. The glycine at codon 53 is replaced by tryptophan, an amino acid with highly dissimilar properties. This variant has been detected in an exertion-related sudden unexplained death cohort (Anderson JH et al. Circ Cardiovasc Genet, 2016 Jun;9:259-65). This amino acid position is well conserved in available vertebrate species. In addition, the in silico prediction for this alteration is inconclusive. Since supporting evidence is limited at this time, the clinical significance of this alteration remains unclear.

Literature cited by the submitters: PubMed 27114410 (cited by Ambry Genetics).